The following is an entry in ClinVar:

NM_002317.7(LOX):c.1072G>C (p.Asp358His)

Genes: LOX (lysyl oxidase; minus strand), SRFBP1 (serum response factor binding protein 1; plus strand). Cytogenetic location: 5q23.1.
Variant type: single nucleotide variant.
Coding change: c.1072G>C on transcript NM_002317.7 (MANE Select); coding-DNA position 1072, G replaced by C.
Protein change: p.Asp358His; replaces aspartic acid 358 with histidine.
Molecular consequence: missense variant.
Genome position (GRCh38, 1-based): chr5:122,070,553, C>G on the plus strand (G>C on the coding strand, the complement: LOX is on the minus strand). VCF-style: chr5-122070553-C-G. GRCh37 (hg19) VCF-style: chr5-121406248-C-G.
Other names: c.382G>C, p.Asp128His (NM_001178102.2); c.181G>C, p.Asp61His (NM_001317073.1); short protein forms D128H, D358H, D61H.
Identifiers: ClinVar variation 3653848 (VCV003653848.2).
Genomic context (GRCh38, chr5:122,070,553, plus strand): 5'-CCTTTAGGATATAGTTTCCAGGTTTTACATCTGTAATATCAATCCACTGGCAGTCTATGT[C>G]TGCACCATAGGTATCATAACAGCCAGGACTCAATCCCTAAGATAAACAAAATAAAAAATT-3'
Protein context (NP_002308.2, residues 348-368): SPGCYDTYGA[Asp358His]IDCQWIDITD

ClinVar aggregate classification (germline): Uncertain significance (1 of 4 stars; one submission).

Submission:

Labcorp Genetics (formerly Invitae), Labcorp
Classification: Uncertain significance. Last evaluated: 2024-05-19. Review status: criteria provided, single submitter. Criteria: Invitae Variant Classification Sherloc (09022015). Collection method: clinical testing. Allele origin: germline.
Comment: This sequence change replaces aspartic acid, which is acidic and polar, with histidine, which is basic and polar, at codon 358 of the LOX protein (p.Asp358His). This variant is not present in population databases (gnomAD no frequency). This variant has not been reported in the literature in individuals affected with LOX-related conditions. Advanced modeling of protein sequence and biophysical properties (such as structural, functional, and spatial information, amino acid conservation, physicochemical variation, residue mobility, and thermodynamic stability) has been performed at Invitae for this missense variant, however the output from this modeling did not meet the statistical confidence thresholds required to predict the impact of this variant on LOX protein function. In summary, the available evidence is currently insufficient to determine the role of this variant in disease. Therefore, it has been classified as a Variant of Uncertain Significance.